The following is an entry in ClinVar:

ClinVar aggregate classification (germline): Pathogenic. Review status: criteria provided, multiple submitters, no conflicts (2 of 4 stars). 5 submissions from 5 submitters: Pathogenic (4). 1 of the submissions does not count toward it. Last evaluated 2025-10-06.

Conditions:
PROM1-related disorder. Also called: PROM1-related condition; PROM1-related disorders.
Retinal dystrophy. Also called: Inherited retinal dystrophy. Identifiers: Orphanet 71862, MedGen C0854723, MeSH D058499, MONDO:0019118, HP:0000556.
Retinitis pigmentosa 41 (RP41). Also called: RETINAL DEGENERATION, AUTOSOMAL RECESSIVE, PROMININ-RELATED. Identifiers: Orphanet 791, MedGen C2677516, MONDO:0012796, OMIM 612095.

gnomAD v4.1: 21 of 1,613,638 alleles (0.0013%); highest among the groups gnomAD compares: East Asian, 0.0022%; no homozygotes.

Submissions (5):

Labcorp Genetics (formerly Invitae), Labcorp
Classification: Pathogenic. Last evaluated: 2025-10-06. Review status: criteria provided, single submitter. Criteria: Invitae Variant Classification Sherloc (09022015). Collection method: clinical testing. Allele origin: germline.
Comment: This sequence change creates a premature translational stop signal (p.Arg146*) in the PROM1 gene. It is expected to result in an absent or disrupted protein product. Loss-of-function variants in PROM1 are known to be pathogenic (PMID: 17605048, 19718270, 24154662, 25474345). This variant is present in population databases (rs780697796, gnomAD 0.01%). This premature translational stop signal has been observed in individuals with autosomal recessive PROM1-related conditions (PMID: 25356976, 28041643, 29555955). ClinVar contains an entry for this variant (Variation ID: 438214). Algorithms developed to predict the effect of sequence changes on RNA splicing suggest that this variant may disrupt the consensus splice site. For these reasons, this variant has been classified as Pathogenic.

GeneDx
Classification: Pathogenic. Last evaluated: 2024-10-08. Review status: criteria provided, single submitter. Criteria: GeneDx Variant Classification Process June 2021. Collection method: clinical testing. Allele origin: germline. Affected: yes.
Comment: Nonsense variant predicted to result in protein truncation or nonsense mediated decay in a gene for which loss of function is a known mechanism of disease; This variant is associated with the following publications: (PMID: 28041643, 17605048, 19718270, 24154662, 25474345, 29555955, 25356976, 38347443, 31964843, 36010202, 38219857)

Blueprint Genetics
Classification: Pathogenic for PROM1-related disorders. Last evaluated: 2022-01-24. Review status: criteria provided, single submitter. Criteria: ACMG Guidelines, 2015. Collection method: clinical testing. Allele origin: germline. Affected: yes. Observed: 1 variant allele.

Mendelics
Classification: Pathogenic for Retinitis pigmentosa 41. Last evaluated: 2019-05-28. Review status: criteria provided, single submitter. Criteria: Mendelics Assertion Criteria 2017. Collection method: clinical testing. Allele origin: unknown.

NIHR Bioresource Rare Diseases, University of Cambridge
Classification: Pathogenic for Retinal dystrophy. Last evaluated: 2015-01-01. Review status: no assertion criteria provided. Collection method: research. Allele origin: unknown. Affected: yes. Observed: 1 variant allele. Not counted in ClinVar's aggregate classification.

Literature cited by the submitters: PubMed 17605048 (cited by Labcorp Genetics (formerly Invitae), Labcorp); PubMed 19718270 (cited by Labcorp Genetics (formerly Invitae), Labcorp); PubMed 24154662 (cited by Labcorp Genetics (formerly Invitae), Labcorp); PubMed 25474345 (cited by Labcorp Genetics (formerly Invitae), Labcorp); PubMed 25356976 (cited by Labcorp Genetics (formerly Invitae), Labcorp and NIHR Bioresource Rare Diseases, University of Cambridge); PubMed 28041643 (cited by Labcorp Genetics (formerly Invitae), Labcorp and NIHR Bioresource Rare Diseases, University of Cambridge); PubMed 29555955 (cited by Labcorp Genetics (formerly Invitae), Labcorp).

NM_006017.3(PROM1):c.436C>T (p.Arg146Ter)

Gene: PROM1 (prominin 1; minus strand). Cytogenetic location: 4p15.32.
Variant type: single nucleotide variant.
Coding change: c.436C>T on transcript NM_006017.3 (MANE Select); coding-DNA position 436, C replaced by T.
Protein change: p.Arg146Ter; replaces arginine 146 with a stop codon.
Molecular consequence: nonsense.
Genome position (GRCh38, 1-based): chr4:16,033,377, G>A on the plus strand (C>T on the coding strand, the complement: PROM1 is on the minus strand). VCF-style: chr4-16033377-G-A. GRCh37 (hg19) VCF-style: chr4-16035000-G-A.
Other names: c.409C>T, p.Arg137Ter (NM_001145847.2, NM_001145848.2, NM_001145851.2 and 4 more transcripts); c.436C>T, p.Arg146Ter (NM_001145849.2, NM_001145850.2); c.436C>T (NM_006017.2); short protein forms R146*, R137*.
Identifiers: ClinVar variation 438214 (VCV000438214.11), dbSNP rs780697796, ClinGen allele CA2867073.
Genomic context (GRCh38, chr4:16,033,377, plus strand): 5'-AAATCACCAACAGGGAGATTGCAAAGCATTTCCTCAGGAAGGGCCCATTTTCCTTCTGTC[G>A]CTGGTGCATTTCTCCACCACATTTGTTACAGCAACGACACATACAAAAGAAATACCCCAC-3'